The following is an entry in ClinVar:

NM_032444.4(SLX4):c.788A>C (p.Glu263Ala)

Gene: SLX4 (SLX4 structure-specific endonuclease subunit; minus strand). Cytogenetic location: 16p13.3.
Variant type: single nucleotide variant.
Coding change: c.788A>C on transcript NM_032444.4 (MANE Select); coding-DNA position 788, A replaced by C.
Protein change: p.Glu263Ala; replaces glutamic acid 263 with alanine.
Molecular consequence: missense variant.
Genome position (GRCh38, 1-based): chr16:3,602,280, T>G on the plus strand (A>C on the coding strand, the complement: SLX4 is on the minus strand). VCF-style: chr16-3602280-T-G. GRCh37 (hg19) VCF-style: chr16-3652281-T-G.
Other names: short protein forms E263A.
Identifiers: ClinVar variation 1373448 (VCV001373448.8), dbSNP rs2151135057, ClinGen allele CA394532493.

ClinVar aggregate classification (germline): Uncertain significance (1 of 4 stars; one submission).

Conditions:
Fanconi anemia (FA). Also called: Fanconi's anemia. Identifiers: Orphanet 84, MedGen C0015625, MeSH D005199, MONDO:0019391.

Submission:

Labcorp Genetics (formerly Invitae), Labcorp
Classification: Uncertain significance for Fanconi anemia. Last evaluated: 2023-08-17. Review status: criteria provided, single submitter. Criteria: Invitae Variant Classification Sherloc (09022015). Collection method: clinical testing. Allele origin: germline.
Comment: In summary, the available evidence is currently insufficient to determine the role of this variant in disease. Therefore, it has been classified as a Variant of Uncertain Significance. An algorithm developed to predict the effect of missense changes on protein structure and function (PolyPhen-2) suggests that this variant is likely to be tolerated. This sequence change replaces glutamic acid, which is acidic and polar, with alanine, which is neutral and non-polar, at codon 263 of the SLX4 protein (p.Glu263Ala). This variant is not present in population databases (gnomAD no frequency). This variant has not been reported in the literature in individuals affected with SLX4-related conditions. ClinVar contains an entry for this variant (Variation ID: 1373448).